The following is an entry in ClinVar:

NM_015509.4(NECAP1):c.565C>A (p.Pro189Thr)

Gene: NECAP1 (NECAP endocytosis associated 1; plus strand). Cytogenetic location: 12p13.31.
Variant type: single nucleotide variant.
Coding change: c.565C>A on transcript NM_015509.4 (MANE Select); coding-DNA position 565, C replaced by A.
Protein change: p.Pro189Thr; replaces proline 189 with threonine.
Molecular consequence: missense variant. On other transcripts: non-coding transcript variant (1).
Genome position (GRCh38, 1-based): chr12:8,092,944, C>A. VCF-style: chr12-8092944-C-A. GRCh37 (hg19) VCF-style: chr12-8245540-C-A.
Other names: short protein forms P189T.
Identifiers: ClinVar variation 2636934 (VCV002636934.1), dbSNP rs2498179572, ClinGen allele CA383800500.
Genomic context (GRCh38, chr12:8,092,944, plus strand): 5'-AAGAAAGGAGGTGCTTCTAAGCCCAGGACTGCAAGGGGTGGGGGTCTGAGCTTACTCCCA[C>A]CCCCGCCAGGAGGCAAAGTCACTATTCCCCCACCATCCTCCTCAGTTGCCATCAGCAATC-3'
Protein context (NP_056324.2, residues 179-199): ARGGGLSLLP[Pro189Thr]PPGGKVTIPP

ClinVar aggregate classification (germline): Uncertain significance (1 of 4 stars; one submission).

Conditions:
NECAP1-related disorder. Also called: NECAP1-related condition.

Submission:

PreventionGenetics, part of Exact Sciences
Classification: Uncertain significance for NECAP1-related condition. Last evaluated: 2022-10-18. Review status: criteria provided, single submitter. Criteria: ACMG Guidelines, 2015. Collection method: clinical testing. Allele origin: germline.
Comment: The NECAP1 c.565C>A variant is predicted to result in the amino acid substitution p.Pro189Thr. To our knowledge, this variant has not been reported in the literature or in a large population database, indicating this variant is rare. At this time, the clinical significance of this variant is uncertain due to the absence of conclusive functional and genetic evidence.